The following is an entry in ClinVar:

ClinVar aggregate classification (germline): Uncertain significance (1 of 4 stars; one submission).

Conditions:
Joubert syndrome. Also called: CEREBELLOPARENCHYMAL DISORDER IV; JOUBERT-BOLTSHAUSER SYNDROME; Familial aplasia of the vermis. Identifiers: Orphanet 475, MedGen C5979921, MONDO:0018772.
Nephronophthisis. Also called: Juvenile Nephronophthisis. Identifiers: Orphanet 655, MedGen C0687120, MONDO:0019005, HP:0000090.
Meckel-Gruber syndrome. Also called: DYSENCEPHALIA SPLANCHNOCYSTICA; GRUBER SYNDROME; Dysencephalia splachnocystica. Identifiers: Orphanet 564, MedGen C0265215, MONDO:0018921.

Allele frequency attached by ClinVar (database versions not stated): gnomAD exomes below 0.00001.
gnomAD v4.1: 2 of 1,610,430 alleles (0.00012%); highest among the groups gnomAD compares: Admixed American, 0.0034%; no homozygotes.

Submission:

Labcorp Genetics (formerly Invitae), Labcorp
Classification: Uncertain significance for Joubert syndrome; Meckel-Gruber syndrome; Nephronophthisis. Last evaluated: 2023-07-06. Review status: criteria provided, single submitter. Criteria: Invitae Variant Classification Sherloc (09022015). Collection method: clinical testing. Allele origin: germline.
Comment: This variant is present in population databases (no rsID available, gnomAD no frequency). Advanced modeling of protein sequence and biophysical properties (such as structural, functional, and spatial information, amino acid conservation, physicochemical variation, residue mobility, and thermodynamic stability) performed at Invitae indicates that this missense variant is not expected to disrupt CEP290 protein function. Algorithms developed to predict the effect of sequence changes on RNA splicing suggest that this variant may disrupt the consensus splice site. ClinVar contains an entry for this variant (Variation ID: 2144711). This variant has not been reported in the literature in individuals affected with CEP290-related conditions. This sequence change replaces alanine, which is neutral and non-polar, with valine, which is neutral and non-polar, at codon 25 of the CEP290 protein (p.Ala25Val). In summary, the available evidence is currently insufficient to determine the role of this variant in disease. Therefore, it has been classified as a Variant of Uncertain Significance.

NM_025114.4(CEP290):c.74C>T (p.Ala25Val)

Gene: CEP290 (centrosomal protein 290; minus strand). Cytogenetic location: 12q21.32.
Variant type: single nucleotide variant.
Coding change: c.74C>T on transcript NM_025114.4 (MANE Select); coding-DNA position 74, C replaced by T.
Protein change: p.Ala25Val; replaces alanine 25 with valine.
Molecular consequence: missense variant.
Genome position (GRCh38, 1-based): chr12:88,141,234, G>A on the plus strand (C>T on the coding strand, the complement: CEP290 is on the minus strand). VCF-style: chr12-88141234-G-A. GRCh37 (hg19) VCF-style: chr12-88535011-G-A.
Other names: short protein forms A25V.
Identifiers: ClinVar variation 2144711 (VCV002144711.4), dbSNP rs1356762631, ClinGen allele CA385990213.
Genomic context (GRCh38, chr12:88,141,234, plus strand): 5'-TATATATCTATTATTATTGACCAATTAAGCACCTTGGATAAGGAAATCAATAAATTATCT[G>A]CCAGTTCTTCTTGACGGGGCAGGTCATCTGGGTCAACTTTCATTATTTCTTTCCAGTTTA-3'
Protein context (NP_079390.3, residues 15-35): PDDLPRQEEL[Ala25Val]DNLLISLSKV